The following is an entry in ClinVar:

ClinVar aggregate classification (germline): Uncertain significance (1 of 4 stars; one submission).

Submission:

Women's Health and Genetics/Laboratory Corporation of America, LabCorp
Classification: Uncertain significance. Last evaluated: 2024-10-04. Review status: criteria provided, single submitter. Criteria: LabCorp Variant Classification Summary - May 2015. Collection method: clinical testing. Allele origin: germline.
Comment: Variant summary: ALPL c.703G>C (p.Glu235Gln) results in a conservative amino acid change in the encoded protein sequence. Four of five in-silico tools predict a damaging effect of the variant on protein function. The variant was absent in 251470 control chromosomes. The available data on variant occurrences in the general population are insufficient to allow any conclusion about variant significance. To our knowledge, no occurrence of c.703G>C in individuals affected with Hypophosphatasia and no experimental evidence demonstrating its impact on protein function have been reported. No submitters have cited clinical-significance assessments for this variant to ClinVar. Based on the evidence outlined above, the variant was classified as uncertain significance.

NM_000478.6(ALPL):c.703G>C (p.Glu235Gln)

Gene: ALPL (alkaline phosphatase, biomineralization associated; plus strand). Cytogenetic location: 1p36.12.
Variant type: single nucleotide variant.
Coding change: c.703G>C on transcript NM_000478.6 (MANE Select); coding-DNA position 703, G replaced by C.
Protein change: p.Glu235Gln; replaces glutamic acid 235 with glutamine.
Molecular consequence: missense variant.
Genome position (GRCh38, 1-based): chr1:21,568,158, G>C. VCF-style: chr1-21568158-G-C. GRCh37 (hg19) VCF-style: chr1-21894651-G-C.
Other names: c.538G>C, p.Glu180Gln (NM_001127501.4); c.472G>C, p.Glu158Gln (NM_001177520.3); c.703G>C, p.Glu235Gln (NM_001369803.2, NM_001369804.2, NM_001369805.2); short protein forms E158Q, E180Q, E235Q.
Identifiers: ClinVar variation 3384940 (VCV003384940.1).